The following is an entry in ClinVar:

NM_000153.4(GALC):c.283_284del (p.Leu95fs)

Gene: GALC (galactosylceramidase; minus strand). Cytogenetic location: 14q31.3.
Variant type: Deletion.
Coding change: c.283_284del on transcript NM_000153.4 (MANE Select); coding-DNA positions 283 to 284, 2 bases deleted (TT; older notation c.283_284delTT).
Protein change: p.Leu95fs; shifts the reading frame from leucine 95.
Molecular consequence: frameshift variant.
Genome position (GRCh38, 1-based): chr14:87,988,188-87,988,189, AA deleted on the plus strand (TT on the coding strand, the reverse complement: GALC is on the minus strand); deleting any 2 consecutive bases within chr14:87,988,188-87,988,190 gives the same sequence; the c. name uses the placement nearest the transcript's 3' end. VCF-style (leftmost placement, unchanged base first): chr14-87988187-CAA-C. GRCh37 (hg19) VCF-style: chr14-88454531-CAA-C.
Other names: c.214_215del, p.Leu72fs (NM_001201401.2); c.205_206del, p.Leu69fs (NM_001201402.2); short protein forms L72fs, L95fs, L69fs.
Identifiers: ClinVar variation 1451476 (VCV001451476.6), dbSNP rs2139758767, ClinGen allele CA2573150200.

ClinVar aggregate classification (germline): Pathogenic (1 of 4 stars; one submission).

Conditions:
Galactosylceramide beta-galactosidase deficiency. Also called: GALACTOCEREBROSIDASE DEFICIENCY; GALC DEFICIENCY; GLOBOID CELL LEUKOENCEPHALOPATHY; Leukodystrophy, Globoid Cell; Krabbe Disease. Identifiers: Orphanet 487, MedGen C0023521, MONDO:0009499, OMIM 245200.

Submission:

Labcorp Genetics (formerly Invitae), Labcorp
Classification: Pathogenic for Galactosylceramide beta-galactosidase deficiency. Last evaluated: 2024-01-04. Review status: criteria provided, single submitter. Criteria: Invitae Variant Classification Sherloc (09022015). Collection method: clinical testing. Allele origin: germline.
Comment: This sequence change creates a premature translational stop signal (p.Leu95Alafs*10) in the GALC gene. It is expected to result in an absent or disrupted protein product. Loss-of-function variants in GALC are known to be pathogenic (PMID: 7437911, 9272171, 16607461). This variant is not present in population databases (gnomAD no frequency). This premature translational stop signal has been observed in individual(s) with Krabbe disease (PMID: 33190188). ClinVar contains an entry for this variant (Variation ID: 1451476). For these reasons, this variant has been classified as Pathogenic.

Literature cited by the submitters: PubMed 7437911; PubMed 9272171; PubMed 16607461; PubMed 33190188.